The following is an entry in ClinVar:

ClinVar aggregate classification (germline): Uncertain significance (1 of 4 stars; one submission).

Submission:

Labcorp Genetics (formerly Invitae), Labcorp
Classification: Uncertain significance. Last evaluated: 2023-06-09. Review status: criteria provided, single submitter. Criteria: Invitae Variant Classification Sherloc (09022015). Collection method: clinical testing. Allele origin: germline.
Comment: This variant has not been reported in the literature in individuals affected with PAX1-related conditions. In summary, the available evidence is currently insufficient to determine the role of this variant in disease. Therefore, it has been classified as a Variant of Uncertain Significance. Advanced modeling of protein sequence and biophysical properties (such as structural, functional, and spatial information, amino acid conservation, physicochemical variation, residue mobility, and thermodynamic stability) performed at Invitae indicates that this missense variant is not expected to disrupt PAX1 protein function. This variant is not present in population databases (gnomAD no frequency). This sequence change replaces valine, which is neutral and non-polar, with glutamic acid, which is acidic and polar, at codon 337 of the PAX1 protein (p.Val337Glu).

NM_001257096.2(PAX1):c.1010T>A (p.Val337Glu)

Gene: PAX1 (paired box 1; plus strand). Cytogenetic location: 20p11.22.
Variant type: single nucleotide variant.
Coding change: c.1010T>A on transcript NM_001257096.2 (MANE Select); coding-DNA position 1010, T replaced by A.
Protein change: p.Val337Glu; replaces valine 337 with glutamic acid.
Molecular consequence: missense variant.
Genome position (GRCh38, 1-based): chr20:21,708,651, T>A. VCF-style: chr20-21708651-T-A. GRCh37 (hg19) VCF-style: chr20-21689289-T-A.
Other names: c.1010T>A, p.Val337Glu (NM_006192.5); short protein forms V337E.
Identifiers: ClinVar variation 2964880 (VCV002964880.2), dbSNP rs2514804437, ClinGen allele CA408499172.